The following is an entry in ClinVar:

NM_015450.3(POT1):c.956G>A (p.Gly319Glu)

Gene: POT1 (protection of telomeres 1; minus strand). Cytogenetic location: 7q31.33.
Variant type: single nucleotide variant.
Coding change: c.956G>A on transcript NM_015450.3 (MANE Select); coding-DNA position 956, G replaced by A.
Protein change: p.Gly319Glu; replaces glycine 319 with glutamic acid.
Molecular consequence: missense variant. On other transcripts: non-coding transcript variant (3).
Genome position (GRCh38, 1-based): chr7:124,846,992, C>T on the plus strand (G>A on the coding strand, the complement: POT1 is on the minus strand). VCF-style: chr7-124846992-C-T. GRCh37 (hg19) VCF-style: chr7-124487046-C-T.
Other names: c.563G>A, p.Gly188Glu (NM_001042594.2); short protein forms G188E, G319E.
Identifiers: ClinVar variation 3061043 (VCV003061043.2), dbSNP rs2485418673, ClinGen allele CA369053848.

ClinVar aggregate classification (germline): Uncertain significance (0 of 4 stars; one submission).

Conditions:
POT1-related disorder. Also called: POT1-related condition.

Submission:

PreventionGenetics, part of Exact Sciences
Classification: Uncertain significance for POT1-related condition. Last evaluated: 2024-01-25. Review status: no assertion criteria provided. Collection method: clinical testing. Allele origin: germline.
Comment: The POT1 c.956G>A variant is predicted to result in the amino acid substitution p.Gly319Glu. To our knowledge, this variant has not been reported in the literature or in a large population database, indicating this variant is rare. At this time, the clinical significance of this variant is uncertain due to the absence of conclusive functional and genetic evidence.